The following is an entry in ClinVar:

ClinVar aggregate classification (germline): Uncertain significance (1 of 4 stars; one submission).

Conditions:
Brachydactyly type B1 (BDB1). Identifiers: Orphanet 572385, Orphanet 93383, MedGen C1862112, MONDO:0007220, OMIM 113000.

Submission:

MVZ Medizinische Genetik Mainz
Classification: Uncertain significance for Brachydactyly type B1. Last evaluated: 2026-03-31. Review status: criteria provided, single submitter. Criteria: UK Practice Guidelines For Variant Classification V4 01 2020. Collection method: clinical testing. Allele origin: germline. Inheritance: Autosomal dominant inheritance. Affected: yes. Observed: 1 variant allele.
Comment: ACMG Criteria: PP3_STR,PM2_SUP

NM_004560.4(ROR2):c.1804G>C (p.Gly602Arg)

Gene: ROR2 (receptor tyrosine kinase like orphan receptor 2; minus strand). Cytogenetic location: 9q22.31.
Variant type: single nucleotide variant.
Coding change: c.1804G>C on transcript NM_004560.4 (MANE Select); coding-DNA position 1804, G replaced by C.
Protein change: p.Gly602Arg; replaces glycine 602 with arginine.
Molecular consequence: missense variant.
Genome position (GRCh38, 1-based): chr9:91,724,690, C>G on the plus strand (G>C on the coding strand, the complement: ROR2 is on the minus strand). VCF-style: chr9-91724690-C-G. GRCh37 (hg19) VCF-style: chr9-94486972-C-G.
Other names: short protein forms G602R.
Identifiers: ClinVar variation 4849211 (VCV004849211.1).